The following is an entry in ClinVar:

ClinVar aggregate classification (germline): Uncertain significance (1 of 4 stars; one submission).

Conditions:
Encephalopathy, acute, infection-induced (herpes-specific), susceptibility to, 1. Also called: Herpes simplex encephalitis, susceptibility to, 1. Identifiers: Orphanet 1930, MedGen C2750180, MONDO:0024563, OMIM 610551.

Submission:

Labcorp Genetics (formerly Invitae), Labcorp
Classification: Uncertain significance for Encephalopathy, acute, infection-induced (herpes-specific), susceptibility to, 1. Last evaluated: 2022-07-19. Review status: criteria provided, single submitter. Criteria: Invitae Variant Classification Sherloc (09022015). Collection method: clinical testing. Allele origin: germline.
Comment: In summary, the available evidence is currently insufficient to determine the role of this variant in disease. Therefore, it has been classified as a Variant of Uncertain Significance. ClinVar contains an entry for this variant (Variation ID: 645257). This variant has not been reported in the literature in individuals affected with UNC93B1-related conditions. This variant is not present in population databases (gnomAD no frequency). This sequence change replaces glycine, which is neutral and non-polar, with arginine, which is basic and polar, at codon 579 of the UNC93B1 protein (p.Gly579Arg).

NM_030930.4(UNC93B1):c.1735G>C (p.Gly579Arg)

Gene: UNC93B1 (unc-93B1 regulator of TLR signaling; minus strand). Cytogenetic location: 11q13.2.
Variant type: single nucleotide variant.
Coding change: c.1735G>C on transcript NM_030930.4 (MANE Select); coding-DNA position 1735, G replaced by C.
Protein change: p.Gly579Arg; replaces glycine 579 with arginine.
Molecular consequence: missense variant.
Genome position (GRCh38, 1-based): chr11:67,991,605, C>G on the plus strand (G>C on the coding strand, the complement: UNC93B1 is on the minus strand). VCF-style: chr11-67991605-C-G. GRCh37 (hg19) VCF-style: chr11-67759076-C-G.
Other names: short protein forms G579R.
Identifiers: ClinVar variation 645257 (VCV000645257.11), dbSNP rs1332464949, ClinGen allele CA381566850.
Genomic context (GRCh38, chr11:67,991,605, plus strand): 5'-CTCACTGCTCCTCCGGCCCGTCTCCCCCCTGCGCCTGTTCGTACGGGCAGGGCCGGCGGC[C>G]GAGTCCAGCGGGCTCGGGGCCAGGCCTGGGCCCTGCGGGCGGCGCCTCCTCCTCCGCGCC-3'
Protein context (NP_112192.2, residues 569-589): PRPGPEPAGL[Gly579Arg]RRPCPYEQAQ